The following is an entry in ClinVar:

ClinVar aggregate classification (germline): Benign (1 of 4 stars; one submission).

Allele frequency attached by ClinVar (database versions not stated): 1000 Genomes Project 0.17632; 1000 Genomes Project 30x 0.17739; TOPMed 0.19842; gnomAD 0.20183.
gnomAD v4.1: 30,823 of 152,170 alleles (20%); highest among the groups gnomAD compares: Middle Eastern, 24%; 3,234 homozygotes.

Submission:

Unidad de Genómica Garrahan, Hospital de Pediatría Garrahan
Classification: Benign. Last evaluated: 2024-01-24. Review status: criteria provided, single submitter. Criteria: ACMG Guidelines, 2015. Collection method: clinical testing. Allele origin: germline. Affected: no. Observed: 30 variant alleles.
Comment: This variant is classified as Benign based on local population frequency. This variant was detected in 32% of patients studied by a panel of primary immunodeficiencies. Number of patients: 30. Only high quality variants are reported.

NM_001369369.1(FOXN1):c.589-1046A>G

Gene: FOXN1 (forkhead box N1; plus strand). Cytogenetic location: 17q11.2.
Variant type: single nucleotide variant.
Coding change: c.589-1046A>G on transcript NM_001369369.1 (MANE Select); 1046 bases into the intron before coding-DNA position 589, A replaced by G.
Molecular consequence: intron variant.
Genome position (GRCh38, 1-based): chr17:28,526,205, A>G. VCF-style: chr17-28526205-A-G. GRCh37 (hg19) VCF-style: chr17-26853223-A-G.
Other names: c.589-1046A>G (NM_003593.3).
Identifiers: ClinVar variation 2688229 (VCV002688229.2), dbSNP rs76777321, ClinGen allele CA14399008.